The following is an entry in ClinVar:

ClinVar aggregate classification (germline): Conflicting classifications of pathogenicity. Review status: criteria provided, conflicting classifications (1 of 4 stars). 2 submissions from 2 submitters: Uncertain significance (1); Likely benign (1). Last evaluated 2026-08-21.

Conditions:
Hereditary cancer-predisposing syndrome. Also called: Hereditary Cancer Syndrome; Neoplastic Syndromes, Hereditary; Hereditary neoplastic syndrome; Tumor predisposition. Identifiers: Orphanet 140162, MedGen C0027672, MeSH D009386, MONDO:0015356.
Gorlin syndrome. Also called: Nevoid Basal Cell Carcinoma Syndrome; Basal cell nevus syndrome. Identifiers: Orphanet 377, MedGen C0004779, MONDO:0007187.

Allele frequency attached by ClinVar (database versions not stated): gnomAD exomes 0.00001 and below 0.00001; TOPMed below 0.00001; ExAC 0.00001; ESP Exome Variant Server 0.00008.
gnomAD v4.1: 7 of 1,614,172 alleles (0.00043%); highest among the groups gnomAD compares: Admixed American, 0.0017%; no homozygotes.

Submissions (2):

Ambry Genetics
Classification: Uncertain significance for Hereditary cancer-predisposing syndrome. Last evaluated: 2026-08-21. Review status: criteria provided, single submitter. Criteria: Ambry Variant Classification Scheme 2023. Collection method: clinical testing. Allele origin: germline.
Comment: The p.T1160S variant (also known as c.3479C>G), located in coding exon 21 of the PTCH1 gene, results from a C to G substitution at nucleotide position 3479. The threonine at codon 1160 is replaced by serine, an amino acid with similar properties. This amino acid position is highly conserved in available vertebrate species. In addition, this alteration is predicted to be deleterious by in silico analysis. Based on the available evidence, the clinical significance of this variant remains unclear.

Labcorp Genetics (formerly Invitae), Labcorp
Classification: Likely benign for Gorlin syndrome. Last evaluated: 2025-05-27. Review status: criteria provided, single submitter. Criteria: Invitae Variant Classification Sherloc (09022015). Collection method: clinical testing. Allele origin: germline.

NM_000264.5(PTCH1):c.3479C>G (p.Thr1160Ser)

Gene: PTCH1 (patched 1; minus strand). Cytogenetic location: 9q22.32.
Variant type: single nucleotide variant.
Coding change: c.3479C>G on transcript NM_000264.5 (MANE Select); coding-DNA position 3479, C replaced by G.
Protein change: p.Thr1160Ser; replaces threonine 1160 with serine.
Molecular consequence: missense variant. On other transcripts: non-coding transcript variant (1).
Genome position (GRCh38, 1-based): chr9:95,449,911, G>C on the plus strand (C>G on the coding strand, the complement: PTCH1 is on the minus strand). VCF-style: chr9-95449911-G-C. GRCh37 (hg19) VCF-style: chr9-98212193-G-C.
Other names: c.3281C>G, p.Thr1094Ser (NM_001083602.3); c.3476C>G, p.Thr1159Ser (NM_001083603.3); c.3026C>G, p.Thr1009Ser (NM_001083604.3, NM_001083605.3, NM_001083606.3 and 1 more transcripts); c.3323C>G, p.Thr1108Ser (NM_001354918.2); short protein forms T1009S, T1160S, T1094S, T1108S, T1159S.
Identifiers: ClinVar variation 1432759 (VCV001432759.11), dbSNP rs147633236, ClinGen allele CA5138130.
Genomic context (GRCh38, chr9:95,449,911, plus strand): 5'-GGTCCAAAGAAAGACAAAAGCACGGGAAGCAAAACCAGCCCATTGAGAACGCCGAGGATG[G>C]TGAGGATCGCCAGCACAGCAAAGAAATACCTGGGAGATCAAGAGGAAACGGGAACACGCG-3'
Protein context (NP_000255.2, residues 1150-1170): RYFFAVLAIL[Thr1160Ser]ILGVLNGLVL